The following is an entry in ClinVar:

ClinVar aggregate classification (germline): Pathogenic (1 of 4 stars; one submission).

Conditions:
Multiple endocrine neoplasia, type 1 (MEN1). Also called: MEN I; WERMER SYNDROME; Endocrine adenomatosis multiple; MEN 1; MEA I. Identifiers: Orphanet 652, MedGen C0025267, MeSH D018761, MONDO:0007540, OMIM 131100.

Submission:

Labcorp Genetics (formerly Invitae), Labcorp
Classification: Pathogenic for Multiple endocrine neoplasia, type 1. Last evaluated: 2023-08-27. Review status: criteria provided, single submitter. Criteria: Invitae Variant Classification Sherloc (09022015). Collection method: clinical testing. Allele origin: germline.
Comment: This variant is not present in population databases (gnomAD no frequency). This sequence change creates a premature translational stop signal (p.Arg229Alafs*52) in the MEN1 gene. It is expected to result in an absent or disrupted protein product. Loss-of-function variants in MEN1 are known to be pathogenic (PMID: 12112656, 17853334). For these reasons, this variant has been classified as Pathogenic. This variant has not been reported in the literature in individuals affected with MEN1-related conditions.

Literature cited by the submitters: PubMed 12112656; PubMed 17853334.

NM_001370259.2(MEN1):c.685del (p.Arg229fs)

Gene: MEN1 (menin 1; minus strand). Cytogenetic location: 11q13.1.
Variant type: Deletion.
Coding change: c.685del on transcript NM_001370259.2 (MANE Select); coding-DNA position 685, one base deleted (C; older notation c.685delC).
Protein change: p.Arg229fs; shifts the reading frame from arginine 229.
Molecular consequence: frameshift variant. On other transcripts: non-coding transcript variant (4).
Genome position (GRCh38, 1-based): chr11:64,807,650, G deleted on the plus strand (C on the coding strand, the reverse complement: MEN1 is on the minus strand). VCF-style (leftmost placement, unchanged base first): chr11-64807649-CG-C. GRCh37 (hg19) VCF-style: chr11-64575121-CG-C.
Other names: c.580del, p.Arg194fs (NM_001370262.2, NM_001370263.2, NM_001407148.1 and 2 more transcripts); c.685del, p.Arg229fs (NM_001407142.1, NM_001407143.1, NM_001407144.1 and 7 more transcripts); c.700del, p.Arg234fs (NM_001407145.1, NM_000244.4, NM_001407150.1 and 5 more transcripts); short protein forms R234fs, R194fs, R229fs.
Identifiers: ClinVar variation 2746611 (VCV002746611.3), dbSNP rs2497206877, ClinGen allele CA2697548621.